The following is an entry in ClinVar:

ClinVar aggregate classification (germline): Uncertain significance (1 of 4 stars; one submission).

Conditions:
Hereditary cancer-predisposing syndrome. Also called: Hereditary neoplastic syndrome; Neoplastic Syndromes, Hereditary; Tumor predisposition; Hereditary Cancer Syndrome. Identifiers: Orphanet 140162, MedGen C0027672, MeSH D009386, MONDO:0015356.

Submission:

Labcorp Genetics (formerly Invitae), Labcorp
Classification: Uncertain significance for Hereditary cancer-predisposing syndrome. Last evaluated: 2022-02-19. Review status: criteria provided, single submitter. Criteria: Invitae Variant Classification Sherloc (09022015). Collection method: clinical testing. Allele origin: germline.
Comment: In summary, the available evidence is currently insufficient to determine the role of this variant in disease. Therefore, it has been classified as a Variant of Uncertain Significance. Algorithms developed to predict the effect of missense changes on protein structure and function (SIFT, PolyPhen-2, Align-GVGD) all suggest that this variant is likely to be tolerated. This variant has not been reported in the literature in individuals affected with RAD50-related conditions. This variant is not present in population databases (gnomAD no frequency). This sequence change replaces lysine, which is basic and polar, with glutamic acid, which is acidic and polar, at codon 501 of the RAD50 protein (p.Lys501Glu).

NM_005732.4(RAD50):c.1501A>G (p.Lys501Glu)

Gene: RAD50 (RAD50 double strand break repair protein; plus strand). Cytogenetic location: 5q31.1.
Variant type: single nucleotide variant.
Coding change: c.1501A>G on transcript NM_005732.4 (MANE Select); coding-DNA position 1501, A replaced by G.
Protein change: p.Lys501Glu; replaces lysine 501 with glutamic acid.
Molecular consequence: missense variant.
Genome position (GRCh38, 1-based): chr5:132,591,272, A>G. VCF-style: chr5-132591272-A-G. GRCh37 (hg19) VCF-style: chr5-131926964-A-G.
Other names: short protein forms K501E.
Identifiers: ClinVar variation 2099206 (VCV002099206.4), dbSNP rs2479640923, ClinGen allele CA360945602.